The following is an entry in ClinVar:

ClinVar aggregate classification (germline): Uncertain significance (1 of 4 stars; one submission).

Submission:

Labcorp Genetics (formerly Invitae), Labcorp
Classification: Uncertain significance. Last evaluated: 2025-07-07. Review status: criteria provided, single submitter. Criteria: Invitae Variant Classification Sherloc (09022015). Collection method: clinical testing. Allele origin: germline.
Comment: This sequence change replaces phenylalanine, which is neutral and non-polar, with leucine, which is neutral and non-polar, at codon 250 of the HPS5 protein (p.Phe250Leu). This variant is not present in population databases (gnomAD no frequency). This variant has not been reported in the literature in individuals affected with HPS5-related conditions. ClinVar contains an entry for this variant (Variation ID: 2808038). An algorithm developed to predict the effect of missense changes on protein structure and function (PolyPhen-2) suggests that this variant is likely to be disruptive. In summary, the available evidence is currently insufficient to determine the role of this variant in disease. Therefore, it has been classified as a Variant of Uncertain Significance.

NM_181507.2(HPS5):c.748T>C (p.Phe250Leu)

Gene: HPS5 (HPS5 biogenesis of lysosomal organelles complex 2 subunit 2; minus strand). Cytogenetic location: 11p15.1.
Variant type: single nucleotide variant.
Coding change: c.748T>C on transcript NM_181507.2 (MANE Select); coding-DNA position 748, T replaced by C.
Protein change: p.Phe250Leu; replaces phenylalanine 250 with leucine.
Molecular consequence: missense variant.
Genome position (GRCh38, 1-based): chr11:18,306,211, A>G on the plus strand (T>C on the coding strand, the complement: HPS5 is on the minus strand). VCF-style: chr11-18306211-A-G. GRCh37 (hg19) VCF-style: chr11-18327758-A-G.
Other names: c.406T>C, p.Phe136Leu (NM_181508.2, NM_007216.4); short protein forms F250L, F136L.
Identifiers: ClinVar variation 2808038 (VCV002808038.3), dbSNP rs1862349324, ClinGen allele CA379502216.